The following is an entry in ClinVar:

ClinVar aggregate classification (germline): Uncertain significance (1 of 4 stars; one submission).

Conditions:
Hereditary cancer-predisposing syndrome. Also called: Neoplastic Syndromes, Hereditary; Hereditary Cancer Syndrome; Hereditary neoplastic syndrome; Tumor predisposition. Identifiers: Orphanet 140162, MedGen C0027672, MeSH D009386, MONDO:0015356.

Submission:

Ambry Genetics
Classification: Uncertain significance for Hereditary cancer-predisposing syndrome. Last evaluated: 2023-06-01. Review status: criteria provided, single submitter. Criteria: Ambry Variant Classification Scheme 2023. Collection method: clinical testing. Allele origin: germline.
Comment: The p.P495L variant (also known as c.1484C>T), located in coding exon 9 of the MEN1 gene, results from a C to T substitution at nucleotide position 1484. The proline at codon 495 is replaced by leucine, an amino acid with similar properties. This amino acid position is conserved. In addition, the in silico prediction for this alteration is inconclusive. Since supporting evidence is limited at this time, the clinical significance of this alteration remains unclear.

NM_001370259.2(MEN1):c.1484C>T (p.Pro495Leu)

Gene: MEN1 (menin 1; minus strand). Cytogenetic location: 11q13.1.
Variant type: single nucleotide variant.
Coding change: c.1484C>T on transcript NM_001370259.2 (MANE Select); coding-DNA position 1484, C replaced by T.
Protein change: p.Pro495Leu; replaces proline 495 with leucine.
Molecular consequence: missense variant. On other transcripts: non-coding transcript variant (4).
Genome position (GRCh38, 1-based): chr11:64,804,683, G>A on the plus strand (C>T on the coding strand, the complement: MEN1 is on the minus strand). VCF-style: chr11-64804683-G-A. GRCh37 (hg19) VCF-style: chr11-64572155-G-A.
Other names: c.1499C>T, p.Pro500Leu (NM_000244.4, NM_001407145.1, NM_130800.3 and 4 more transcripts); c.1610C>T, p.Pro537Leu (NM_001370251.2, NM_001407142.1, NM_001407143.1 and 1 more transcripts); c.1484C>T, p.Pro495Leu (NM_001370260.2, NM_001370261.2, NM_001407146.1 and 2 more transcripts); c.1379C>T, p.Pro460Leu (NM_001370262.2, NM_001370263.2, NM_001407148.1 and 1 more transcripts); c.1625C>T, p.Pro542Leu (NM_001407150.1); c.1505C>T, p.Pro502Leu (NM_001407151.1); c.1319C>T, p.Pro440Leu (NM_001407152.1); short protein forms P542L, P440L, P502L, P460L, P495L, P537L, P500L.
Identifiers: ClinVar variation 2564990 (VCV002564990.2), dbSNP rs2497120935, ClinGen allele CA381178984.